The following is an entry in ClinVar:

ClinVar aggregate classification (germline): Pathogenic (1 of 4 stars; one submission).

Submission:

Labcorp Genetics (formerly Invitae), Labcorp
Classification: Pathogenic. Last evaluated: 2025-08-20. Review status: criteria provided, single submitter. Criteria: Invitae Variant Classification Sherloc (09022015). Collection method: clinical testing. Allele origin: germline.
Comment: This sequence change creates a premature translational stop signal (p.Thr59Serfs*6) in the PYCR1 gene. It is expected to result in an absent or disrupted protein product. Loss-of-function variants in PYCR1 are known to be pathogenic (PMID: 19648921). This variant is not present in population databases (gnomAD no frequency). This variant has not been reported in the literature in individuals affected with PYCR1-related conditions. For these reasons, this variant has been classified as Pathogenic.

Literature cited by the submitters: PubMed 19648921.

NM_006907.4(PYCR1):c.176_194del (p.Thr59fs)

Gene: PYCR1 (pyrroline-5-carboxylate reductase 1; minus strand). Cytogenetic location: 17q25.3.
Variant type: Deletion.
Coding change: c.176_194del on transcript NM_006907.4 (MANE Select); coding-DNA positions 176 to 194, 19 bases deleted (CGGTGCAGCACAGTGATGT).
Protein change: p.Thr59fs; shifts the reading frame from threonine 59.
Molecular consequence: frameshift variant.
Genome position (GRCh38, 1-based): chr17:81,935,461-81,935,479, ACATCACTGTGCTGCACCG deleted on the plus strand (CGGTGCAGCACAGTGATGT on the coding strand, the reverse complement: PYCR1 is on the minus strand). VCF-style (leftmost placement, unchanged base first): chr17-81935460-CACATCACTGTGCTGCACCG-C. GRCh37 (hg19) VCF-style: chr17-79893336-CACATCACTGTGCTGCACCG-C.
Other names: c.176_194del, p.Thr59fs (NM_001282279.2, NM_001282280.2, NM_001330523.2 and 1 more transcripts); c.257_275del, p.Thr86fs (NM_001282281.2); short protein forms T86fs, T59fs.
Identifiers: ClinVar variation 4725770 (VCV004725770.1).